The following is an entry in ClinVar:

NM_001875.5(CPS1):c.4101+1G>T

Gene: CPS1 (carbamoyl-phosphate synthase 1; plus strand). Cytogenetic location: 2q34.
Variant type: single nucleotide variant.
Coding change: c.4101+1G>T on transcript NM_001875.5 (MANE Select); the canonical splice donor site of the intron after coding-DNA position 4101, G replaced by T.
Molecular consequence: splice donor variant.
Genome position (GRCh38, 1-based): chr2:210,668,285, G>T. VCF-style: chr2-210668285-G-T. GRCh37 (hg19) VCF-style: chr2-211533009-G-T.
Other names: c.4101+1G>T (NM_001369257.1, NM_001122633.3); c.4134+1G>T (NM_001369256.1).
Identifiers: ClinVar variation 2852495 (VCV002852495.3), dbSNP rs2469357553, ClinGen allele CA350440071.

ClinVar aggregate classification (germline): Pathogenic (1 of 4 stars; one submission).

Conditions:
Congenital hyperammonemia, type I. Also called: CPS I DEFICIENCY; Carbamoyl phosphate synthetase I deficiency disease; Carbamoyl phosphate synthetase 1 deficiency; Hyperammonemia due to carbamoyl phosphate synthetase 1 deficiency; CPS 1 deficiency; Carbamyl phosphate synthetase (CPS) deficiency. Identifiers: Orphanet 147, MedGen C4082171, MONDO:0009376, OMIM 237300.

Submission:

Labcorp Genetics (formerly Invitae), Labcorp
Classification: Pathogenic for Congenital hyperammonemia, type I. Last evaluated: 2023-10-06. Review status: criteria provided, single submitter. Criteria: Invitae Variant Classification Sherloc (09022015). Collection method: clinical testing. Allele origin: germline.
Comment: This sequence change affects a donor splice site in intron 34 of the CPS1 gene. It is expected to disrupt RNA splicing. Variants that disrupt the donor or acceptor splice site typically lead to a loss of protein function (PMID: 16199547), and loss-of-function variants in CPS1 are known to be pathogenic (PMID: 21120950). This variant is not present in population databases (gnomAD no frequency). Disruption of this splice site has been observed in individual(s) with carbamoyl phosphate synthetase I deficiency (PMID: 19793055). In at least one individual the data is consistent with being in trans (on the opposite chromosome) from a pathogenic variant. It has also been observed to segregate with disease in related individuals. Algorithms developed to predict the effect of sequence changes on RNA splicing suggest that this variant may disrupt the consensus splice site. For these reasons, this variant has been classified as Pathogenic.

Literature cited by the submitters: PubMed 16199547; PubMed 21120950; PubMed 19793055.